The following is an entry in ClinVar:

NM_001710.6(CFB):c.850A>T (p.Ser284Cys)

Gene: CFB (complement factor B; plus strand). Cytogenetic location: 6p21.33.
Variant type: single nucleotide variant.
Coding change: c.850A>T on transcript NM_001710.6 (MANE Select); coding-DNA position 850, A replaced by T.
Protein change: p.Ser284Cys; replaces serine 284 with cysteine.
Molecular consequence: missense variant.
Genome position (GRCh38, 1-based): chr6:31,948,034, A>T. VCF-style: chr6-31948034-A-T. GRCh37 (hg19) VCF-style: chr6-31915811-A-T.
Other names: short protein forms S284C.
Identifiers: ClinVar variation 1933101 (VCV001933101.5), dbSNP rs771740876, ClinGen allele CA363396253.

ClinVar aggregate classification (germline): Uncertain significance (1 of 4 stars; one submission).

Allele frequency attached by ClinVar (database versions not stated): gnomAD 0.00001; TOPMed 0.00001.

Submission:

Labcorp Genetics (formerly Invitae), Labcorp
Classification: Uncertain significance. Last evaluated: 2023-12-19. Review status: criteria provided, single submitter. Criteria: Invitae Variant Classification Sherloc (09022015). Collection method: clinical testing. Allele origin: germline.
Comment: This sequence change replaces serine, which is neutral and polar, with cysteine, which is neutral and slightly polar, at codon 284 of the CFB protein (p.Ser284Cys). This variant is not present in population databases (gnomAD no frequency). This variant has not been reported in the literature in individuals affected with CFB-related conditions. ClinVar contains an entry for this variant (Variation ID: 1933101). Advanced modeling of protein sequence and biophysical properties (such as structural, functional, and spatial information, amino acid conservation, physicochemical variation, residue mobility, and thermodynamic stability) performed at Invitae indicates that this missense variant is not expected to disrupt CFB protein function with a negative predictive value of 80%. In summary, the available evidence is currently insufficient to determine the role of this variant in disease. Therefore, it has been classified as a Variant of Uncertain Significance.